The following is an entry in ClinVar:

ClinVar aggregate classification (germline): Likely benign (0 of 4 stars; one submission).

Conditions:
ITPR3-related disorder. Also called: ITPR3-related condition.

Allele frequency attached by ClinVar (database versions not stated): gnomAD 0.00001; ExAC 0.00002; TOPMed 0.00003; gnomAD exomes 0.00006.

Submission:

PreventionGenetics, part of Exact Sciences
Classification: Likely benign for ITPR3-related condition. Last evaluated: 2019-08-20. Review status: no assertion criteria provided. Collection method: clinical testing. Allele origin: germline.
Comment: This variant is classified as likely benign based on ACMG/AMP sequence variant interpretation guidelines (Richards et al. 2015 PMID: 25741868, with internal and published modifications).

NM_002224.4(ITPR3):c.1254C>T (p.Gly418=)

Gene: ITPR3 (inositol 1,4,5-trisphosphate receptor type 3; plus strand). Cytogenetic location: 6p21.31.
Variant type: single nucleotide variant.
Coding change: c.1254C>T on transcript NM_002224.4 (MANE Select); coding-DNA position 1254, C replaced by T.
Protein change: p.Gly418=; no amino-acid change (glycine 418 retained).
Molecular consequence: synonymous variant.
Genome position (GRCh38, 1-based): chr6:33,665,058, C>T. VCF-style: chr6-33665058-C-T. GRCh37 (hg19) VCF-style: chr6-33632835-C-T.
Identifiers: ClinVar variation 3053693 (VCV003053693.2), dbSNP rs763939191, ClinGen allele CA3760230.